The following is an entry in ClinVar:

NM_000059.4(BRCA2):c.9218_9219insATTT (p.Asp3073fs)

Gene: BRCA2 (BRCA2 DNA repair associated; plus strand). Cytogenetic location: 13q13.1.
Variant type: Insertion.
Coding change: c.9218_9219insATTT on transcript NM_000059.4 (MANE Select); coding-DNA positions 9218 to 9219, ATTT inserted.
Protein change: p.Asp3073fs; shifts the reading frame from aspartic acid 3073.
Molecular consequence: frameshift variant.
Genome position: GRCh38 VCF-style: chr13-32380107-A-AATTT. GRCh37 (hg19) VCF-style: chr13-32954244-A-AATTT.
Other names: 9446insATTT; short protein forms D3073fs.
Identifiers: ClinVar variation 267146 (VCV000267146.5), dbSNP rs886040825, ClinGen allele CA10589553.
Genomic context (GRCh38, chr13:32,380,107, plus strand): 5'-AGCCCCTTCACTTCAGCAAATTTTTAGATCCAGACTTTCAGCCATCTTGTTCTGAGGTGG[A>AATTT]CCTAATAGGATTTGTCGTTTCTGTTGTGAAAAAAACAGGTAATGCACAATATAGTTAATT-3'

ClinVar aggregate classification (germline): Pathogenic. Review status: reviewed by expert panel (3 of 4 stars). 2 submissions from 2 submitters: Pathogenic (1). 1 of the submissions does not count toward it. Last evaluated 2016-10-18.

Conditions:
Breast-ovarian cancer, familial, susceptibility to, 2 (BROVCA2). Also called: BRCA2 Hereditary Breast and Ovarian Cancer. Identifiers: Orphanet 145, MedGen C2675520, MONDO:0012933, OMIM 612555. Disease mechanism: loss of function.

Submissions (2):

Evidence-based Network for the Interpretation of Germline Mutant Alleles (ENIGMA)
Classification: Pathogenic for Breast-ovarian cancer, familial, susceptibility to, 2. Last evaluated: 2016-10-18. Review status: reviewed by expert panel. Criteria: ENIGMA BRCA1/2 Classification Criteria (2015). Collection method: curation. Allele origin: germline.
Comment: Variant allele predicted to encode a truncated non-functional protein.

Consortium of Investigators of Modifiers of BRCA1/2 (CIMBA), c/o University of Cambridge
Classification: Pathogenic for Breast-ovarian cancer, familial, susceptibility to, 2. Last evaluated: 2015-10-02. Review status: criteria provided, single submitter. Criteria: CIMBA Mutation Classification guidelines May 2016. Collection method: clinical testing. Allele origin: germline. Not counted in ClinVar's aggregate classification.